The following is an entry in ClinVar:

NM_025137.4(SPG11):c.3075A>T (p.Lys1025Asn)

Gene: SPG11 (SPG11 vesicle trafficking associated, spatacsin; minus strand). Cytogenetic location: 15q21.1.
Variant type: single nucleotide variant.
Coding change: c.3075A>T on transcript NM_025137.4 (MANE Select); coding-DNA position 3075, A replaced by T.
Protein change: p.Lys1025Asn; replaces lysine 1025 with asparagine.
Molecular consequence: missense variant.
Genome position (GRCh38, 1-based): chr15:44,613,500, T>A on the plus strand (A>T on the coding strand, the complement: SPG11 is on the minus strand). VCF-style: chr15-44613500-T-A. GRCh37 (hg19) VCF-style: chr15-44905698-T-A.
Other names: c.3075A>T, p.Lys1025Asn (NM_001160227.2, NM_001411132.1); short protein forms K1025N.
Identifiers: ClinVar variation 1957001 (VCV001957001.5), dbSNP rs2505501127, ClinGen allele CA392228647.

ClinVar aggregate classification (germline): Uncertain significance (1 of 4 stars; one submission).

Conditions:
Hereditary spastic paraplegia 11. Also called: Spastic paraplegia, mental retardation and thin corpus callosum; Spastic Paraplegia 11; Nakamura Osame syndrome; Autosomal recessive hereditary spastic paraplegia, mental impairment, and thin corpus callosum; SPASTIC PARAPLEGIA, AUTOSOMAL RECESSIVE, COMPLICATED, WITH THIN CORPUS CALLOSUM; SPASTIC PARAPLEGIA, AUTOSOMAL RECESSIVE, WITH MENTAL IMPAIRMENT AND THIN CORPUS CALLOSUM. Identifiers: Orphanet 2822, MedGen C1858479, MONDO:0011445, OMIM 604360.

Submission:

Labcorp Genetics (formerly Invitae), Labcorp
Classification: Uncertain significance for Hereditary spastic paraplegia 11. Last evaluated: 2022-04-10. Review status: criteria provided, single submitter. Criteria: Invitae Variant Classification Sherloc (09022015). Collection method: clinical testing. Allele origin: germline.
Comment: In summary, the available evidence is currently insufficient to determine the role of this variant in disease. Therefore, it has been classified as a Variant of Uncertain Significance. This sequence change replaces lysine, which is basic and polar, with asparagine, which is neutral and polar, at codon 1025 of the SPG11 protein (p.Lys1025Asn). This variant is not present in population databases (gnomAD no frequency). This variant has not been reported in the literature in individuals affected with SPG11-related conditions. Algorithms developed to predict the effect of missense changes on protein structure and function are either unavailable or do not agree on the potential impact of this missense change (SIFT: "Tolerated"; PolyPhen-2: "Possibly Damaging"; Align-GVGD: "Class C0").